The following is an entry in ClinVar:

NM_004064.5(CDKN1B):c.349C>T (p.Pro117Ser)

Gene: CDKN1B (cyclin dependent kinase inhibitor 1B; plus strand). Cytogenetic location: 12p13.1.
Variant type: single nucleotide variant.
Coding change: c.349C>T on transcript NM_004064.5 (MANE Select); coding-DNA position 349, C replaced by T.
Protein change: p.Pro117Ser; replaces proline 117 with serine.
Molecular consequence: missense variant.
Genome position (GRCh38, 1-based): chr12:12,718,188, C>T. VCF-style: chr12-12718188-C-T. GRCh37 (hg19) VCF-style: chr12-12871122-C-T.
Other names: short protein forms P117S.
Identifiers: ClinVar variation 493111 (VCV000493111.60), dbSNP rs754936421, ClinGen allele CA6457471.
Genomic context (GRCh38, chr12:12,718,188, plus strand): 5'-GGTGCCTGCAAGGTGCCGGCGCAGGAGAGCCAGGATGTCAGCGGGAGCCGCCCGGCGGCG[C>T]CTTTAATTGGGGCTCCGGCTAACTCTGAGGACACGCATTTGGTGGACCCAAAGACTGATC-3'
Protein context (NP_004055.1, residues 107-127): QDVSGSRPAA[Pro117Ser]LIGAPANSED

ClinVar aggregate classification (germline): Conflicting classifications of pathogenicity. Review status: criteria provided, conflicting classifications (1 of 4 stars). 6 submissions from 6 submitters: Uncertain significance (5); Benign (1). Last evaluated 2026-01-26.

Conditions:
Multiple endocrine neoplasia type 4. Also called: MULTIPLE ENDOCRINE NEOPLASIA, TYPE IV. Identifiers: Orphanet 276152, MedGen C1970712, MONDO:0012552, OMIM 610755.
Hereditary cancer-predisposing syndrome. Also called: Hereditary neoplastic syndrome; Neoplastic Syndromes, Hereditary; Hereditary Cancer Syndrome; Tumor predisposition. Identifiers: Orphanet 140162, MedGen C0027672, MeSH D009386, MONDO:0015356.

Allele frequency attached by ClinVar (database versions not stated): gnomAD 0.00002; ExAC 0.00003; gnomAD exomes 0.00003 and 0.00004; TOPMed 0.00004.
gnomAD v4.1: 61 of 1,612,986 alleles (0.0038%); highest among the groups gnomAD compares: Non-Finnish European, 0.0048%; no homozygotes.

Submissions (6):

Labcorp Genetics (formerly Invitae), Labcorp
Classification: Uncertain significance for Multiple endocrine neoplasia type 4. Last evaluated: 2026-01-26. Review status: criteria provided, single submitter. Criteria: Invitae Variant Classification Sherloc (09022015). Collection method: clinical testing. Allele origin: germline.
Comment: This sequence change replaces proline, which is neutral and non-polar, with serine, which is neutral and polar, at codon 117 of the CDKN1B protein (p.Pro117Ser). This variant is present in population databases (rs754936421, gnomAD 0.007%). This missense change has been observed in individual(s) with clinical features of multiple endocrine neoplasia (PMID: 36520683). ClinVar contains an entry for this variant (Variation ID: 493111). An algorithm developed to predict the effect of missense changes on protein structure and function (PolyPhen-2) suggests that this variant is likely to be tolerated. In summary, the available evidence is currently insufficient to determine the role of this variant in disease. Therefore, it has been classified as a Variant of Uncertain Significance.

Ambry Genetics
Classification: Benign for Hereditary cancer-predisposing syndrome. Last evaluated: 2024-07-02. Review status: criteria provided, single submitter. Criteria: Ambry Variant Classification Scheme 2023. Collection method: clinical testing. Allele origin: germline.

Baylor Genetics
Classification: Uncertain significance for Multiple endocrine neoplasia type 4. Last evaluated: 2023-10-11. Review status: criteria provided, single submitter. Criteria: ACMG Guidelines, 2015. Collection method: clinical testing. Allele origin: unknown.

GeneDx
Classification: Uncertain significance. Last evaluated: 2022-06-15. Review status: criteria provided, single submitter. Criteria: GeneDx Variant Classification Process June 2021. Collection method: clinical testing. Allele origin: germline. Affected: yes.
Comment: In silico analysis supports that this missense variant does not alter protein structure/function; Has not been previously published as pathogenic or benign to our knowledge

Quest Diagnostics Nichols Institute San Juan Capistrano
Classification: Uncertain significance. Last evaluated: 2021-07-20. Review status: criteria provided, single submitter. Criteria: Quest Diagnostics criteria. Collection method: clinical testing. Allele origin: unknown.

CeGaT Center for Human Genetics Tuebingen
Classification: Uncertain significance. Last evaluated: 2017-07-01. Review status: criteria provided, single submitter. Criteria: CeGaT Center For Human Genetics Tuebingen Variant Classification Criteria Version 2. Collection method: clinical testing. Allele origin: germline. Affected: yes. Observed: 1 variant allele.

Literature cited by the submitters: PubMed 36520683 (cited by Labcorp Genetics (formerly Invitae), Labcorp and Ambry Genetics).